The following is an entry in ClinVar:

NM_001089.3(ABCA3):c.3784A>G (p.Ser1262Gly)

Gene: ABCA3 (ATP binding cassette subfamily A member 3; minus strand). Cytogenetic location: 16p13.3.
Variant type: single nucleotide variant.
Coding change: c.3784A>G on transcript NM_001089.3 (MANE Select); coding-DNA position 3784, A replaced by G.
Protein change: p.Ser1262Gly; replaces serine 1262 with glycine.
Molecular consequence: missense variant.
Genome position (GRCh38, 1-based): chr16:2,284,357, T>C on the plus strand (A>G on the coding strand, the complement: ABCA3 is on the minus strand). VCF-style: chr16-2284357-T-C. GRCh37 (hg19) VCF-style: chr16-2334358-T-C.
Other names: short protein forms S1262G.
Identifiers: ClinVar variation 318407 (VCV000318407.23), dbSNP rs35089233, ClinGen allele CA7840395.

ClinVar aggregate classification (germline): Conflicting classifications of pathogenicity. Review status: criteria provided, conflicting classifications (1 of 4 stars). 6 submissions from 6 submitters: Uncertain significance (2); Benign (1); Likely benign (2). 1 of the submissions does not count toward it. Last evaluated 2026-08-01.

Conditions:
ABCA3-related disorder. Also called: ABCA3-related condition.
Hereditary pulmonary alveolar proteinosis. Also called: Pulmonary surfactant metabolism dysfunction. Identifiers: Orphanet 264675, MedGen C3711368, MONDO:0012580.
Interstitial lung disease due to ABCA3 deficiency. Also called: PULMONARY ALVEOLAR PROTEINOSIS, CONGENITAL, 3. Identifiers: Orphanet 440402, MedGen C1970456, MONDO:0012582, OMIM 610921.

Allele frequency attached by ClinVar (database versions not stated): 1000 Genomes Project 0.00060; 1000 Genomes Project 30x 0.00062; ExAC 0.00086; gnomAD exomes 0.00104 and 0.00202; gnomAD 0.00117; TOPMed 0.00125; ESP Exome Variant Server 0.00177.
gnomAD v4.1: 3,199 of 1,614,030 alleles (0.2%); highest among the groups gnomAD compares: Non-Finnish European, 0.25%; 11 homozygotes.

Submissions (6):

GeneDx
Classification: Uncertain significance. Last evaluated: 2026-08-01. Review status: criteria provided, single submitter. Criteria: GeneDx Variant Classification Process June 2021. Collection method: clinical testing. Allele origin: germline.
Comment: Identified in an individual with familial pulmonary fibrosis, however the variant did not segregate with the disease in the family (PMID: 20656946); Identified in control populations and individuals heterozygous for the variant did not differ in lung function from individuals with wildtype genotype (PMID: 22866751); Identified with a second variant in an individual with childhood intersititial lung disease (PMID: 41090249); Published functional studies demonstrate a damaging effect (reduced ATPase activity) (PMID: 32196812); In silico analysis supports that this missense variant has a deleterious effect on protein structure/function; This variant is associated with the following publications: (PMID: 20656946, 20849526, 32196812, 37108718, 22866751, 38363828, 41090249, 42295024)

CeGaT Center for Human Genetics Tuebingen
Classification: Likely benign. Last evaluated: 2026-05-01. Review status: criteria provided, single submitter. Criteria: CeGaT Center For Human Genetics Tuebingen Variant Classification Criteria Version 2. Collection method: clinical testing. Allele origin: germline. Affected: yes. Observed: 1 variant allele.
Comment: ABCA3: BS2

Labcorp Genetics (formerly Invitae), Labcorp
Classification: Benign. Last evaluated: 2026-02-04. Review status: criteria provided, single submitter. Criteria: Invitae Variant Classification Sherloc (09022015). Collection method: clinical testing. Allele origin: germline.

Ambry Genetics
Classification: Likely benign for Hereditary pulmonary alveolar proteinosis. Last evaluated: 2026-02-03. Review status: criteria provided, single submitter. Criteria: Ambry Variant Classification Scheme 2023. Collection method: clinical testing. Allele origin: germline.

Illumina Laboratory Services, Illumina
Classification: Uncertain significance for Interstitial lung disease due to ABCA3 deficiency. Last evaluated: 2018-01-13. Review status: criteria provided, single submitter. Criteria: ICSL Variant Classification Criteria 13 December 2019. Collection method: clinical testing. Allele origin: germline.

PreventionGenetics, part of Exact Sciences
Classification: Likely benign for ABCA3-related condition. Last evaluated: 2022-02-01. Review status: no assertion criteria provided. Collection method: clinical testing. Allele origin: germline. Not counted in ClinVar's aggregate classification.
Comment: This variant is classified as likely benign based on ACMG/AMP sequence variant interpretation guidelines (Richards et al. 2015 PMID: 25741868, with internal and published modifications).

Literature cited by the submitters: PubMed 20656946 (cited by Ambry Genetics); PubMed 22866751 (cited by Ambry Genetics).